The following is an entry in ClinVar:

ClinVar aggregate classification (germline): Uncertain significance. Review status: criteria provided, multiple submitters, no conflicts (2 of 4 stars). 2 submissions from 2 submitters: Uncertain significance (2). Last evaluated 2022-12-19.

Conditions:
Inborn genetic diseases. Identifiers: MedGen C0950123, MeSH D030342.
Muscle AMP deaminase deficiency (MMDD). Also called: Myoadenylate deaminase deficiency, myopathy due to; AMPD1 DEFICIENCY; ADENOSINE MONOPHOSPHATE DEAMINASE-1 DEFICIENCY, MYOPATHY DUE TO; Adenosine monophosphate deaminase 1 deficiency; AMP deaminase 1 deficiency; Adenosine Monophosphate Deaminase 1. Identifiers: Orphanet 45, MedGen C3714933, MONDO:0014220, OMIM 615511.

Allele frequency attached by ClinVar (database versions not stated): ExAC 0.00001; gnomAD 0.00003.
gnomAD v4.1: 8 of 1,614,082 alleles (0.0005%); highest among the groups gnomAD compares: African/African-American, 0.0013%; no homozygotes.

Submissions (2):

Ambry Genetics
Classification: Uncertain significance for Inborn genetic diseases. Last evaluated: 2022-12-19. Review status: criteria provided, single submitter. Criteria: Ambry Variant Classification Scheme 2023. Collection method: clinical testing. Allele origin: germline.

Labcorp Genetics (formerly Invitae), Labcorp
Classification: Uncertain significance for Muscle AMP deaminase deficiency. Last evaluated: 2022-06-04. Review status: criteria provided, single submitter. Criteria: Invitae Variant Classification Sherloc (09022015). Collection method: clinical testing. Allele origin: germline.
Comment: In summary, the available evidence is currently insufficient to determine the role of this variant in disease. Therefore, it has been classified as a Variant of Uncertain Significance. Algorithms developed to predict the effect of missense changes on protein structure and function are either unavailable or do not agree on the potential impact of this missense change (SIFT: "Deleterious"; PolyPhen-2: "Possibly Damaging"; Align-GVGD: "Class C0"). This variant has not been reported in the literature in individuals affected with AMPD1-related conditions. This variant is present in population databases (rs767938874, gnomAD 0.002%). This sequence change replaces isoleucine, which is neutral and non-polar, with asparagine, which is neutral and polar, at codon 82 of the AMPD1 protein (p.Ile82Asn).

NM_000036.3(AMPD1):c.146T>A (p.Ile49Asn)

Gene: AMPD1 (adenosine monophosphate deaminase 1; minus strand). Cytogenetic location: 1p13.2.
Variant type: single nucleotide variant.
Coding change: c.146T>A on transcript NM_000036.3 (MANE Select); coding-DNA position 146, T replaced by A.
Protein change: p.Ile49Asn; replaces isoleucine 49 with asparagine.
Molecular consequence: missense variant.
Genome position (GRCh38, 1-based): chr1:114,688,630, A>T on the plus strand (T>A on the coding strand, the complement: AMPD1 is on the minus strand). VCF-style: chr1-114688630-A-T. GRCh37 (hg19) VCF-style: chr1-115231251-A-T.
Other names: c.134T>A, p.Ile45Asn (NM_001172626.2); c.245T>A (NM_000036.2); short protein forms I49N, I45N.
Identifiers: ClinVar variation 2184605 (VCV002184605.5), dbSNP rs767938874, ClinGen allele CA1020545.